The following is an entry in ClinVar:

NM_016938.5(EFEMP2):c.608-2A>C

Gene: EFEMP2 (EGF-like fibulin extracellular matrix protein 2; minus strand). Cytogenetic location: 11q13.1.
Variant type: single nucleotide variant.
Coding change: c.608-2A>C on transcript NM_016938.5 (MANE Select); the canonical splice acceptor site of the intron before coding-DNA position 608, A replaced by C.
Molecular consequence: splice acceptor variant.
Genome position (GRCh38, 1-based): chr11:65,869,978, T>G on the plus strand (A>C on the coding strand, the complement: EFEMP2 is on the minus strand). VCF-style: chr11-65869978-T-G. GRCh37 (hg19) VCF-style: chr11-65637449-T-G.
Identifiers: ClinVar variation 4724811 (VCV004724811.1).

ClinVar aggregate classification (germline): Likely pathogenic (1 of 4 stars; one submission).

Conditions:
Cutis laxa, autosomal recessive, type 1B (ARCL1B). Also called: CUTIS LAXA, AUTOSOMAL RECESSIVE, TYPE IB; EFEMP2-Related Cutis Laxa. Identifiers: Orphanet 90349, MedGen C3280798, MONDO:0013754, OMIM 614437. Disease mechanism: loss of function.

Submission:

Labcorp Genetics (formerly Invitae), Labcorp
Classification: Likely pathogenic for Cutis laxa, autosomal recessive, type 1B. Last evaluated: 2025-08-04. Review status: criteria provided, single submitter. Criteria: Invitae Variant Classification Sherloc (09022015). Collection method: clinical testing. Allele origin: germline.
Comment: This sequence change affects an acceptor splice site in intron 6 of the EFEMP2 gene. It is expected to disrupt RNA splicing. Variants that disrupt the donor or acceptor splice site typically lead to a loss of protein function (PMID: 16199547), and loss-of-function variants in EFEMP2 are known to be pathogenic (PMID: 17937443). This variant is not present in population databases (gnomAD no frequency). This variant has not been reported in the literature in individuals affected with EFEMP2-related conditions. Algorithms developed to predict the effect of sequence changes on RNA splicing suggest that this variant may disrupt the consensus splice site. In summary, the currently available evidence indicates that the variant is pathogenic, but additional data are needed to prove that conclusively. Therefore, this variant has been classified as Likely Pathogenic.

Literature cited by the submitters: PubMed 16199547; PubMed 17937443.